The following is an entry in ClinVar:

NM_000342.4(SLC4A1):c.1517C>A (p.Ala506Asp)

Gene: SLC4A1 (solute carrier family 4 member 1 (Diego blood group); minus strand). Cytogenetic location: 17q21.31.
Variant type: single nucleotide variant.
Coding change: c.1517C>A on transcript NM_000342.4 (MANE Select); coding-DNA position 1517, C replaced by A.
Protein change: p.Ala506Asp; replaces alanine 506 with aspartic acid.
Molecular consequence: missense variant.
Genome position (GRCh38, 1-based): chr17:44,257,459, G>T on the plus strand (C>A on the coding strand, the complement: SLC4A1 is on the minus strand). VCF-style: chr17-44257459-G-T. GRCh37 (hg19) VCF-style: chr17-42334827-G-T.
Other names: short protein forms A506D.
Identifiers: ClinVar variation 2127342 (VCV002127342.4), dbSNP rs1161833327, ClinGen allele CA399785623.

ClinVar aggregate classification (germline): Uncertain significance (1 of 4 stars; one submission).

Submission:

Labcorp Genetics (formerly Invitae), Labcorp
Classification: Uncertain significance. Last evaluated: 2022-05-29. Review status: criteria provided, single submitter. Criteria: Invitae Variant Classification Sherloc (09022015). Collection method: clinical testing. Allele origin: germline.
Comment: This variant is not present in population databases (gnomAD no frequency). This sequence change replaces alanine, which is neutral and non-polar, with aspartic acid, which is acidic and polar, at codon 506 of the SLC4A1 protein (p.Ala506Asp). This variant has not been reported in the literature in individuals affected with SLC4A1-related conditions. Algorithms developed to predict the effect of missense changes on protein structure and function are either unavailable or do not agree on the potential impact of this missense change (SIFT: "Tolerated"; PolyPhen-2: "Probably Damaging"; Align-GVGD: "Class C15"). In summary, the available evidence is currently insufficient to determine the role of this variant in disease. Therefore, it has been classified as a Variant of Uncertain Significance.